The following is an entry in ClinVar:

NM_001384125.1(BLTP1):c.11514-1G>A

Gene: BLTP1 (bridge-like lipid transfer protein family member 1; plus strand). Cytogenetic location: 4q27.
Variant type: single nucleotide variant.
Coding change: c.11514-1G>A on transcript NM_001384125.1 (MANE Select); the canonical splice acceptor site of the intron before coding-DNA position 11514, G replaced by A.
Molecular consequence: splice acceptor variant.
Genome position (GRCh38, 1-based): chr4:122,331,325, G>A. VCF-style: chr4-122331325-G-A. GRCh37 (hg19) VCF-style: chr4-123252480-G-A.
Other names: c.11250-1G>A (NM_015312.4).
Identifiers: ClinVar variation 1252049 (VCV001252049.3), dbSNP rs2150047294, ClinGen allele CA358075954.
Genomic context (GRCh38, chr4:122,331,325, plus strand): 5'-TAGTTTGTTAAAAAGAACTCTCATTTTACTACAATGTAATGATCAATTGTTCTTTCTGTA[G>A]ACATACGTCTCGTAAAAAAGCAACAGGCTTTGCTGCTGTTCATCAGCTATTTACAGAACG-3'

ClinVar aggregate classification (germline): Pathogenic. Review status: criteria provided, single submitter (1 of 4 stars). 2 submissions from 1 submitter: Pathogenic (1). 1 of the submissions does not count toward it. Last evaluated 2024-03-14.

Conditions:
Alkuraya-Kucinskas syndrome. Identifiers: Orphanet 610569, MedGen C4693347, MONDO:0060631, OMIM 617822.

Submissions (2):

Genomic Medicine Center of Excellence, King Faisal Specialist Hospital and Research Centre
Classification: Pathogenic for Alkuraya-Kucinskas syndrome. Last evaluated: 2024-03-14. Review status: criteria provided, single submitter. Criteria: ACMG Guidelines, 2015. Collection method: research. Allele origin: germline.

Genomic Medicine Center of Excellence, King Faisal Specialist Hospital and Research Centre
Classification: Pathogenic for Alkuraya-Kucinskas syndrome. Last evaluated: 2021-04-29. Review status: flagged submission. Collection method: research. Allele origin: germline. Affected: yes. Not counted in ClinVar's aggregate classification.
ClinVar note: Reason: This record appears to be redundant with a more recent record from the same submitter.
ClinVar note: Notes: SCV001870488 appears to be redundant with SCV004801215.